The following is an entry in ClinVar:

ClinVar aggregate classification (germline): Uncertain significance (1 of 4 stars; one submission).

Submission:

Labcorp Genetics (formerly Invitae), Labcorp
Classification: Uncertain significance. Last evaluated: 2024-02-27. Review status: criteria provided, single submitter. Criteria: Invitae Variant Classification Sherloc (09022015). Collection method: clinical testing. Allele origin: germline.
Comment: This sequence change replaces tyrosine, which is neutral and polar, with serine, which is neutral and polar, at codon 442 of the MMP13 protein (p.Tyr442Ser). This variant is not present in population databases (gnomAD no frequency). This variant has not been reported in the literature in individuals affected with MMP13-related conditions. Advanced modeling of protein sequence and biophysical properties (such as structural, functional, and spatial information, amino acid conservation, physicochemical variation, residue mobility, and thermodynamic stability) has been performed at Invitae for this missense variant, however the output from this modeling did not meet the statistical confidence thresholds required to predict the impact of this variant on MMP13 protein function. In summary, the available evidence is currently insufficient to determine the role of this variant in disease. Therefore, it has been classified as a Variant of Uncertain Significance.

NM_002427.4(MMP13):c.1325A>C (p.Tyr442Ser)

Gene: MMP13 (matrix metallopeptidase 13; minus strand). Cytogenetic location: 11q22.2.
Variant type: single nucleotide variant.
Coding change: c.1325A>C on transcript NM_002427.4 (MANE Select); coding-DNA position 1325, A replaced by C.
Protein change: p.Tyr442Ser; replaces tyrosine 442 with serine.
Molecular consequence: missense variant.
Genome position (GRCh38, 1-based): chr11:102,944,357, T>G on the plus strand (A>C on the coding strand, the complement: MMP13 is on the minus strand). VCF-style: chr11-102944357-T-G. GRCh37 (hg19) VCF-style: chr11-102815086-T-G.
Other names: short protein forms Y442S.
Identifiers: ClinVar variation 3700446 (VCV003700446.2).